The following is an entry in ClinVar:

ClinVar aggregate classification (germline): Uncertain significance (1 of 4 stars; one submission).

Submission:

GeneDx
Classification: Uncertain significance. Last evaluated: 2022-05-31. Review status: criteria provided, single submitter. Criteria: GeneDx Variant Classification Process June 2021. Collection method: clinical testing. Allele origin: germline. Affected: yes.
Comment: Not observed at significant frequency in large population cohorts (gnomAD); In-frame insertion of 12 amino acids in a non-repeat region; In silico analysis supports a deleterious effect on protein structure/function; Has not been previously published as pathogenic or benign to our knowledge

NM_000334.4(SCN4A):c.913_948dup (p.Asp316_Ser317insThrTrpTyrGlyAsnGluMetTrpTyrGlyAsnAsp)

Gene: SCN4A (sodium voltage-gated channel alpha subunit 4; minus strand). Cytogenetic location: 17q23.3.
Variant type: Duplication.
Coding change: c.913_948dup on transcript NM_000334.4 (MANE Select); coding-DNA positions 913 to 948, 36 bases duplicated.
Protein change: p.Asp316_Ser317insThrTrpTyrGlyAsnGluMetTrpTyrGlyAsnAsp.
Molecular consequence: inframe insertion.
Genome position (GRCh38, 1-based): chr17:63,968,111-63,968,146, 36 bases duplicated; duplicating any 36 consecutive bases within chr17:63,968,111-63,968,162 gives the same sequence; the c. name uses the placement nearest the transcript's 3' end. GRCh37 (hg19): chr17:62,045,487-62,045,522.
Identifiers: ClinVar variation 1801927 (VCV001801927.1), dbSNP rs1567828002, ClinGen allele CA8709992.
Genomic context (GRCh38, chr17:63,968,110, plus strand): 5'-CAAAGGTATCGTTGGTGGCCCAGCTTGCATGGCTGTTCCACGTGTCGTTGGCATACCATG[A>AGTCATTGCCGTACCACATCTCATTGCCATACCATGT]GTCATTGCCGTACCACATCTCATTGCCATACCATGTGTCATTGCCGTACCACGTGTCATT-3'